The following is an entry in ClinVar:

NM_007373.4(SHOC2):c.836C>T (p.Thr279Ile)

Gene: SHOC2 (SHOC2 leucine rich repeat scaffold protein; plus strand). Cytogenetic location: 10q25.2.
Variant type: single nucleotide variant.
Coding change: c.836C>T on transcript NM_007373.4 (MANE Select); coding-DNA position 836, C replaced by T.
Protein change: p.Thr279Ile; replaces threonine 279 with isoleucine.
Molecular consequence: missense variant. On other transcripts: non-coding transcript variant (1), intron variant (1).
Genome position (GRCh38, 1-based): chr10:110,985,760, C>T. VCF-style: chr10-110985760-C-T. GRCh37 (hg19) VCF-style: chr10-112745518-C-T.
Other names: c.836C>T, p.Thr279Ile (NM_001324336.2, NM_001324337.2); c.704-14655C>T (NM_001269039.3); short protein forms T279I.
Identifiers: ClinVar variation 1030215 (VCV001030215.1), dbSNP rs1848065186, ClinGen allele CA378391597.

ClinVar aggregate classification (germline): Uncertain significance (1 of 4 stars; one submission).

Conditions:
Noonan syndrome-like disorder with loose anagen hair 1 (NSLH1). Also called: MAZZANTI SYNDROME; TOSTI SYNDROME. Identifiers: Orphanet 2701, MedGen C4478716, MONDO:0054637, OMIM 607721.

Submission:

Baylor Genetics
Classification: Uncertain significance for Noonan syndrome-like disorder with loose anagen hair 1. Last evaluated: 2019-09-26. Review status: criteria provided, single submitter. Criteria: ACMG Guidelines, 2015. Collection method: clinical testing. Allele origin: unknown. Affected: yes.
Comment: This variant was determined to be of uncertain significance according to ACMG Guidelines, 2015 [PMID:25741868].